The following is an entry in ClinVar:

NM_000712.4(BLVRA):c.15C>T (p.Pro5=)

Gene: BLVRA (biliverdin reductase A; plus strand). Cytogenetic location: 7p13.
Variant type: single nucleotide variant.
Coding change: c.15C>T on transcript NM_000712.4 (MANE Select); coding-DNA position 15, C replaced by T.
Protein change: p.Pro5=; no amino-acid change (proline 5 retained).
Molecular consequence: synonymous variant.
Genome position (GRCh38, 1-based): chr7:43,787,906, C>T. VCF-style: chr7-43787906-C-T. GRCh37 (hg19) VCF-style: chr7-43827505-C-T.
Other names: c.15C>T, p.Pro5= (NM_001253823.2); c.15C>T (NM_000712.3).
Identifiers: ClinVar variation 2175440 (VCV002175440.5), dbSNP rs11545804, ClinGen allele CA4233974.

ClinVar aggregate classification (germline): Likely benign. Review status: criteria provided, multiple submitters, no conflicts (2 of 4 stars). 2 submissions from 2 submitters: Likely benign (2). Last evaluated 2026-01-06.

Conditions:
BLVRA-related disorder. Also called: BLVRA-related condition.

Allele frequency attached by ClinVar (database versions not stated): TOPMed 0.00011; gnomAD exomes 0.00012; gnomAD 0.00015; 1000 Genomes Project 30x 0.00016; 1000 Genomes Project 0.00020.
gnomAD v4.1: 205 of 1,614,086 alleles (0.013%); highest among the groups gnomAD compares: South Asian, 0.063%; no homozygotes.

Submissions (2):

PreventionGenetics, part of Exact Sciences
Classification: Likely benign for BLVRA-related condition. Last evaluated: 2026-01-06. Review status: criteria provided, single submitter. Criteria: ACMG Guidelines, 2015. Collection method: clinical testing. Allele origin: germline.
Comment: This variant is classified as likely benign based on ACMG/AMP sequence variant interpretation guidelines (Richards et al. 2015 PMID: 25741868, with internal and published modifications).

Labcorp Genetics (formerly Invitae), Labcorp
Classification: Likely benign. Last evaluated: 2022-11-08. Review status: criteria provided, single submitter. Criteria: Invitae Variant Classification Sherloc (09022015). Collection method: clinical testing. Allele origin: germline.